The following is an entry in ClinVar:

NM_000548.5(TSC2):c.2006C>T (p.Pro669Leu)

Gene: TSC2 (TSC complex subunit 2; plus strand). Cytogenetic location: 16p13.3.
Variant type: single nucleotide variant.
Coding change: c.2006C>T on transcript NM_000548.5 (MANE Select); coding-DNA position 2006, C replaced by T.
Protein change: p.Pro669Leu; replaces proline 669 with leucine.
Molecular consequence: missense variant.
Genome position (GRCh38, 1-based): chr16:2,071,843, C>T. VCF-style: chr16-2071843-C-T. GRCh37 (hg19) VCF-style: chr16-2121844-C-T.
Other names: c.2006C>T, p.Pro669Leu (NM_001077183.3, NM_001114382.3, NM_001363528.2 and 3 more transcripts); c.1895C>T, p.Pro632Leu (NM_001318827.2); c.1859C>T, p.Pro620Leu (NM_001318829.2); c.1406C>T, p.Pro469Leu (NM_001318831.2); c.2039C>T, p.Pro680Leu (NM_001318832.2); short protein forms P669L, P680L, P620L, P469L, P632L.
Identifiers: ClinVar variation 194924 (VCV000194924.19), dbSNP rs794727221, ClinGen allele CA016419.

ClinVar aggregate classification (germline): Uncertain significance. Review status: criteria provided, multiple submitters, no conflicts (2 of 4 stars). 6 submissions from 6 submitters: Uncertain significance (6). Last evaluated 2025-09-28.

Conditions:
Hereditary cancer-predisposing syndrome. Also called: Hereditary Cancer Syndrome; Tumor predisposition; Hereditary neoplastic syndrome; Neoplastic Syndromes, Hereditary. Identifiers: Orphanet 140162, MedGen C0027672, MeSH D009386, MONDO:0015356.
Tuberous sclerosis syndrome (TSC). Also called: Tuberous Sclerosis Complex; Tuberous sclerosis. Identifiers: Orphanet 805, MedGen C0041341, MONDO:0001734.
Isolated focal cortical dysplasia type II (FCORD2). Also called: Focal cortical dysplasia type II; CORTICAL DYSPLASIA OF TAYLOR. Identifiers: Orphanet 268994, MedGen C1846385, MONDO:0011818, OMIM 607341, HP:0032051.
Tuberous sclerosis 2 (TSC2). Identifiers: Orphanet 805, MedGen C1860707, MONDO:0013199, OMIM 613254.

Allele frequency attached by ClinVar (database versions not stated): gnomAD exomes below 0.00001; gnomAD 0.00001.
gnomAD v4.1: 2 of 1,586,268 alleles (0.00013%); highest among the groups gnomAD compares: South Asian, 0.0023%; no homozygotes.

Submissions (6):

Labcorp Genetics (formerly Invitae), Labcorp
Classification: Uncertain significance for Tuberous sclerosis 2. Last evaluated: 2025-09-28. Review status: criteria provided, single submitter. Criteria: Invitae Variant Classification Sherloc (09022015). Collection method: clinical testing. Allele origin: germline.
Comment: This sequence change replaces proline, which is neutral and non-polar, with leucine, which is neutral and non-polar, at codon 669 of the TSC2 protein (p.Pro669Leu). This variant is not present in population databases (gnomAD no frequency). This variant has not been reported in the literature in individuals affected with TSC2-related conditions. ClinVar contains an entry for this variant (Variation ID: 194924). Invitae Evidence Modeling of protein sequence and biophysical properties (such as structural, functional, and spatial information, amino acid conservation, physicochemical variation, residue mobility, and thermodynamic stability) indicates that this missense variant is not expected to disrupt TSC2 protein function with a negative predictive value of 95%. In summary, the available evidence is currently insufficient to determine the role of this variant in disease. Therefore, it has been classified as a Variant of Uncertain Significance.

Ambry Genetics
Classification: Uncertain significance for Hereditary cancer-predisposing syndrome. Last evaluated: 2025-01-13. Review status: criteria provided, single submitter. Criteria: Ambry Variant Classification Scheme 2023. Collection method: clinical testing. Allele origin: germline.
Comment: The p.P669L variant (also known as c.2006C>T), located in coding exon 18 of the TSC2 gene, results from a C to T substitution at nucleotide position 2006. The proline at codon 669 is replaced by leucine, an amino acid with similar properties. This alteration has been reported in an individual with a pancreatic neuroendocrine tumor and no other reported features of tuberous sclerosis complex (Asprino PF et al. Endocr. Relat. Cancer, 2018 02;25:L1-L5). This amino acid position is well conserved in available vertebrate species. In addition, the in silico prediction for this alteration is inconclusive. Based on the available evidence, the clinical significance of this variant remains unclear.

Baylor Genetics
Classification: Uncertain significance for Isolated focal cortical dysplasia type II. Last evaluated: 2023-05-25. Review status: criteria provided, single submitter. Criteria: ACMG Guidelines, 2015. Collection method: clinical testing. Allele origin: unknown.

All of Us Research Program, National Institutes of Health
Classification: Uncertain significance for Tuberous sclerosis syndrome. Last evaluated: 2023-05-04. Review status: criteria provided, single submitter. Criteria: ACMG Guidelines, 2015. Collection method: clinical testing. Allele origin: germline. Inheritance: Autosomal dominant inheritance. Observed: 1 variant allele, 1 heterozygote.
Comment: This missense variant replaces proline with leucine at codon 669 of the TSC2 protein. Computational prediction suggests that this variant may not impact protein structure and function (internally defined REVEL score threshold <= 0.5, PMID: 27666373). To our knowledge, functional studies have not been reported for this variant. This variant has not been reported in individuals affected with tuberous sclerosis complex in the literature. This variant has not been identified in the general population by the Genome Aggregation Database (gnomAD). The available evidence is insufficient to determine the role of this variant in disease conclusively. Therefore, this variant is classified as a Variant of Uncertain Significance.

This study involves interpretation of variants in research participants for the purpose of population health screening. Participant phenotype was not available at the time of variant classification. Additional details can be found in publication PMID: 35346344, PMCID: PMC8962531

Genome-Nilou Lab
Classification: Uncertain significance for Tuberous sclerosis 2. Last evaluated: 2021-11-07. Review status: criteria provided, single submitter. Criteria: ACMG Guidelines, 2015. Collection method: clinical testing. Allele origin: germline. Affected: no.

Eurofins Ntd Llc (ga)
Classification: Uncertain significance. Last evaluated: 2015-01-23. Review status: criteria provided, single submitter. Criteria: EGL Classification Definitions 2015. Collection method: clinical testing. Allele origin: germline. Observed: 1 variant allele, 1 heterozygote.

Literature cited by the submitters: PubMed 29167182 (cited by Ambry Genetics).